The following is an entry in ClinVar:

ClinVar aggregate classification (germline): Uncertain significance (1 of 4 stars; one submission).

Conditions:
Brugada syndrome. Also called: Sudden unexpected nocturnal death syndrome; Sudden unexplained nocturnal death syndrome; Sudden Unexplained Death Syndrome; Sudden Unexplained Nocturnal Death Syndrome (SUNDS). Identifiers: Orphanet 130, MedGen C1142166, MONDO:0015263.

Submission:

Labcorp Genetics (formerly Invitae), Labcorp
Classification: Uncertain significance for Brugada syndrome. Last evaluated: 2024-06-21. Review status: criteria provided, single submitter. Criteria: Invitae Variant Classification Sherloc (09022015). Collection method: clinical testing. Allele origin: germline.
Comment: This sequence change creates a premature translational stop signal (p.Asp92_Glu93delinsGlu*) in the KCNE5 gene. While this is not anticipated to result in nonsense mediated decay, it is expected to disrupt the last 51 amino acid(s) of the KCNE5 protein. Information on the frequency of this variant in the gnomAD database is not available, as this variant may be reported differently in the database. This premature translational stop signal has been observed in individual(s) with clinical features of KCNE5-related conditions (PMID: 21493962, 30129429). ClinVar contains an entry for this variant (Variation ID: 1502088). Algorithms developed to predict the effect of variants on gene product structure and function are not available or were not evaluated for this variant. Experimental studies are conflicting or provide insufficient evidence to determine the effect of this variant on KCNE5 function (PMID: 21493962). In summary, the available evidence is currently insufficient to determine the role of this variant in disease. Therefore, it has been classified as a Variant of Uncertain Significance.

Literature cited by the submitters: PubMed 21493962; PubMed 30129429.

NM_012282.4(KCNE5):c.276_277delinsAT (p.Asp92_Glu93delinsGluTer)

Gene: KCNE5 (potassium voltage-gated channel subfamily E regulatory subunit 5; minus strand). Cytogenetic location: Xq23.
Variant type: Indel.
Coding change: c.276_277delinsAT on transcript NM_012282.4 (MANE Select); coding-DNA positions 276 to 277, CG replaced by AT.
Protein change: p.Asp92_Glu93delinsGluTer.
Molecular consequence: nonsense.
Genome position (GRCh38, 1-based): chrX:109,624,744-109,624,745, CG replaced by AT on the plus strand (CG replaced by AT on the coding strand, the reverse complement: KCNE5 is on the minus strand). VCF-style: chrX-109624744-CG-AT. GRCh37 (hg19) VCF-style: chrX-108867973-CG-AT.
Identifiers: ClinVar variation 1502088 (VCV001502088.6), dbSNP rs2147333878, ClinGen allele CA2573159174.